The following is an entry in ClinVar:

NM_000313.4(PROS1):c.329dup (p.Arg111fs)

Gene: PROS1 (protein S; minus strand). Cytogenetic location: 3q11.1.
Variant type: Duplication.
Coding change: c.329dup on transcript NM_000313.4 (MANE Select); coding-DNA position 329, one base duplicated (T; older notation c.329dupT).
Protein change: p.Arg111fs; shifts the reading frame from arginine 111.
Molecular consequence: frameshift variant.
Genome position (GRCh38, 1-based): chr3:93,910,636, A duplicated on the plus strand (T on the coding strand, the reverse complement: PROS1 is on the minus strand). VCF-style (leftmost placement, unchanged base first): chr3-93910635-T-TA. GRCh37 (hg19) VCF-style: chr3-93629479-T-TA.
Other names: p.Arg111Lysfs*12; c.425dup, p.Arg143fs (NM_001314077.2); short protein forms R111fs, R143fs.
Identifiers: ClinVar variation 2683289 (VCV002683289.1), dbSNP rs2472148844, ClinGen allele CA2697556780.

ClinVar aggregate classification (germline): Likely pathogenic (1 of 4 stars; one submission).

Submission:

Mayo Clinic Laboratories, Mayo Clinic
Classification: Likely pathogenic. Last evaluated: 2022-05-03. Review status: criteria provided, single submitter. Criteria: ACMG Guidelines, 2015. Collection method: clinical testing. Allele origin: germline. Observed: 1 variant allele.
Comment: PM2, PVS1